The following is an entry in ClinVar:

NM_003611.3(OFD1):c.19A>G (p.Met7Val)

Genes: OFD1 (OFD1 centriole and centriolar satellite protein; plus strand), LOC126863212 (CDK7 strongly-dependent group 2 enhancer GRCh37_chrX:13752241-13753440; plus strand). Cytogenetic location: Xp22.2.
Variant type: single nucleotide variant.
Coding change: c.19A>G on transcript NM_003611.3 (MANE Select); coding-DNA position 19, A replaced by G.
Protein change: p.Met7Val; replaces methionine 7 with valine.
Molecular consequence: missense variant. On other transcripts: 5 prime UTR variant (1).
Genome position (GRCh38, 1-based): chrX:13,735,254, A>G. VCF-style: chrX-13735254-A-G. GRCh37 (hg19) VCF-style: chrX-13753373-A-G.
Other names: c.19A>G, p.Met7Val (NM_001330209.2); c.-527A>G (NM_001330210.2); short protein forms M7V.
Identifiers: ClinVar variation 3761662 (VCV003761662.3).

ClinVar aggregate classification (germline): Conflicting classifications of pathogenicity. Review status: criteria provided, conflicting classifications (1 of 4 stars). 2 submissions from 2 submitters: Uncertain significance (1); Likely benign (1). Last evaluated 2025-01-06.

Conditions:
Joubert syndrome. Also called: Familial aplasia of the vermis; JOUBERT-BOLTSHAUSER SYNDROME. Identifiers: Orphanet 475, MedGen C5979921, MONDO:0018772.
Orofaciodigital syndrome I (OFD1). Also called: Papillon-Leage and Psaume Syndrome; Oral-Facial-Digital Syndrome Type I; OFDS I. Identifiers: Orphanet 2750, MedGen C1510460, MONDO:0010702, OMIM 311200.

gnomAD v4.1: 7 of 1,210,949 alleles (0.00058%); highest among the groups gnomAD compares: East Asian, 0.0059%; no homozygotes.

Submissions (2):

Labcorp Genetics (formerly Invitae), Labcorp
Classification: Uncertain significance for Orofaciodigital syndrome I; Joubert syndrome. Last evaluated: 2025-01-06. Review status: criteria provided, single submitter. Criteria: Invitae Variant Classification Sherloc (09022015). Collection method: clinical testing. Allele origin: germline.
Comment: This sequence change replaces methionine, which is neutral and non-polar, with valine, which is neutral and non-polar, at codon 7 of the OFD1 protein (p.Met7Val). This variant is present in population databases (no rsID available, gnomAD 0.004%). This variant has not been reported in the literature in individuals affected with OFD1-related conditions. An algorithm developed to predict the effect of missense changes on protein structure and function (PolyPhen-2) suggests that this variant is likely to be disruptive. In summary, the available evidence is currently insufficient to determine the role of this variant in disease. Therefore, it has been classified as a Variant of Uncertain Significance.

Blueprint Genetics
Classification: Likely benign. Last evaluated: 2022-07-18. Review status: criteria provided, single submitter. Criteria: ACMG Guidelines, 2015. Collection method: clinical testing. Allele origin: germline.